The following is an entry in ClinVar:

ClinVar aggregate classification (germline): Uncertain significance (1 of 4 stars; one submission).

Submission:

Labcorp Genetics (formerly Invitae), Labcorp
Classification: Uncertain significance. Last evaluated: 2022-11-02. Review status: criteria provided, single submitter. Criteria: Invitae Variant Classification Sherloc (09022015). Collection method: clinical testing. Allele origin: germline.
Comment: This sequence change replaces isoleucine, which is neutral and non-polar, with valine, which is neutral and non-polar, at codon 32 of the CNOT1 protein (p.Ile32Val). This variant is not present in population databases (gnomAD no frequency). This variant has not been reported in the literature in individuals affected with CNOT1-related conditions. Algorithms developed to predict the effect of missense changes on protein structure and function are either unavailable or do not agree on the potential impact of this missense change (SIFT: "Tolerated"; PolyPhen-2: "Possibly Damaging"; Align-GVGD: "Class C0"). In summary, the available evidence is currently insufficient to determine the role of this variant in disease. Therefore, it has been classified as a Variant of Uncertain Significance.

NM_016284.5(CNOT1):c.94A>G (p.Ile32Val)

Gene: CNOT1 (CCR4-NOT transcription complex subunit 1; minus strand). Cytogenetic location: 16q21.
Variant type: single nucleotide variant.
Coding change: c.94A>G on transcript NM_016284.5 (MANE Select); coding-DNA position 94, A replaced by G.
Protein change: p.Ile32Val; replaces isoleucine 32 with valine.
Molecular consequence: missense variant. On other transcripts: non-coding transcript variant (1).
Genome position (GRCh38, 1-based): chr16:58,599,244, T>C on the plus strand (A>G on the coding strand, the complement: CNOT1 is on the minus strand). VCF-style: chr16-58599244-T-C. GRCh37 (hg19) VCF-style: chr16-58633148-T-C.
Other names: c.94A>G, p.Ile32Val (NM_001265612.2, NM_206999.3); short protein forms I32V.
Identifiers: ClinVar variation 2029919 (VCV002029919.4), dbSNP rs2544169585, ClinGen allele CA396158941.